The following is an entry in ClinVar:

ClinVar aggregate classification (germline): Conflicting classifications of pathogenicity. Review status: criteria provided, conflicting classifications (1 of 4 stars). 4 submissions from 4 submitters: Pathogenic (3); Uncertain significance (1). Last evaluated 2025-11-24.

Conditions:
X-linked agammaglobulinemia (XLA). Also called: Bruton-type agammaglobulinemia; Agammaglobulinemia, Bruton tyrosine kinase; Agammaglobulinemia, BTK; BTK-deficiency; IMMUNODEFICIENCY 1; Bruton's agammaglobulinemia. Identifiers: Orphanet 229717, Orphanet 47, MedGen C0221026, MONDO:0010421, OMIM 300755.
X-linked agammaglobulinemia with growth hormone deficiency (IGHD3). Also called: ISOLATED GROWTH HORMONE DEFICIENCY, TYPE III, WITH AGAMMAGLOBULINEMIA; FLEISHER SYNDROME; HYPOGAMMAGLOBULINEMIA AND ISOLATED GROWTH HORMONE DEFICIENCY, X-LINKED; IGHD III; AGAMMAGLOBULINEMIA AND ISOLATED GROWTH HORMONE DEFICIENCY, X-LINKED; Isolated growth hormone deficiency type 3. Identifiers: Orphanet 231692, Orphanet 631, MedGen C0472813, MONDO:0010615, OMIM 307200.
BTK-related disorder. Also called: BTK-related condition.

Submissions (4):

Women's Health and Genetics/Laboratory Corporation of America, LabCorp
Classification: Pathogenic for X-linked agammaglobulinemia. Last evaluated: 2025-11-24. Review status: criteria provided, single submitter. Criteria: LabCorp Variant Classification Summary - May 2015. Collection method: clinical testing. Allele origin: germline.
Comment: Variant summary: BTK c.1567-12_1567-9delTTTG located at an intronic position which might affect splicing. Several computational tools predict a significant impact on normal splicing: three predict the variant weakens a 3' acceptor site, while one predicts no significant impact on splicing. Publications reported that this variant affects mRNA splicing, describing exon 15-16 skipping (with an in-frame deletion of amino acids 451-544), and also noting other aberrant and normal splice products (e.g. Futatani_2001, Poskanzer_2020). The variant was absent in 183245 control chromosomes (gnomAD). The variant, c.1567-12_1567-9delTTTG, has been observed in multiple hemizygous individuals affected with X-linked agammaglobulinemia (e.g. Ohta_1994, Futatani_2001, Dogruel_2019, Kwon_2020, Poskanzer_2020). These data indicate that the variant is very likely to be associated with disease. At least one publication reported experimental evidence, demonstrating moderate decrease of BTK protein expression by flow cytometry analysis in patient derived samples (Kwon_2020), however considering the reported in-frame deletion of exon 15-16, these data might not represent the overall in vivo functional effect of the variant. The following publications have been ascertained in the context of this evaluation (PMID: 8090769, 11472359, 32009323, 32067425, 30072168). ClinVar contains an entry for this variant (Variation ID: 566647). Based on the evidence outlined above, the variant was classified as pathogenic.

Labcorp Genetics (formerly Invitae), Labcorp
Classification: Pathogenic for X-linked agammaglobulinemia with growth hormone deficiency. Last evaluated: 2025-06-10. Review status: criteria provided, single submitter. Criteria: Invitae Variant Classification Sherloc (09022015). Collection method: clinical testing. Allele origin: germline.
Comment: This sequence change falls in intron 15 of the BTK gene. It does not directly change the encoded amino acid sequence of the BTK protein. RNA analysis indicates that this variant induces altered splicing and likely results in a shortened protein product. This variant is not present in population databases (gnomAD no frequency). This variant has been observed in individual(s) with clinical features of X-linked agammaglobulinemia (PMID: 9545398, 30072168, 32067425; internal data). This variant is also known as IVS15-9_12delTTTG, Exons 14-15 Deletion. ClinVar contains an entry for this variant (Variation ID: 566647). Studies have shown that this variant results in skipping of exons 15-16, but is expected to preserve the integrity of the reading-frame (PMID: 32067425). This variant disrupts a region of the BTK protein in which other variant(s) (p.Arg520Gln) have been determined to be pathogenic (PMID: 7880320, 11472359, 12217331, 27980540). This suggests that this is a clinically significant region of the protein, and that variants that disrupt it are likely to be disease-causing. For these reasons, this variant has been classified as Pathogenic.

Blueprint Genetics
Classification: Pathogenic for BTK-related disorders. Last evaluated: 2023-03-20. Review status: criteria provided, single submitter. Criteria: ACMG Guidelines, 2015. Collection method: clinical testing. Allele origin: germline. Affected: yes. Observed: 4 variant alleles.

GeneDx
Classification: Uncertain significance. Last evaluated: 2019-11-14. Review status: criteria provided, single submitter. Criteria: GeneDx Variant Classification Process June 2021. Collection method: clinical testing. Allele origin: germline. Affected: yes.
Comment: Not observed in large population cohorts (Lek et al., 2016); In-silico analysis, which includes splice predictors and evolutionary conservation, is inconclusive as to whether the variant alters gene splicing. In the absence of RNA/functional studies, the actual effect of this sequence change is unknown.; This variant is associated with the following publications: (PMID: 32067425, 9545398, 30072168)

Literature cited by the submitters: PubMed 11472359 (cited by Women's Health and Genetics/Laboratory Corporation of America, LabCorp and Labcorp Genetics (formerly Invitae), Labcorp); PubMed 8090769 (cited by Women's Health and Genetics/Laboratory Corporation of America, LabCorp); PubMed 30072168 (cited by Women's Health and Genetics/Laboratory Corporation of America, LabCorp and Labcorp Genetics (formerly Invitae), Labcorp); PubMed 32009323 (cited by Women's Health and Genetics/Laboratory Corporation of America, LabCorp); PubMed 32067425 (cited by Women's Health and Genetics/Laboratory Corporation of America, LabCorp and Labcorp Genetics (formerly Invitae), Labcorp); PubMed 9545398 (cited by Labcorp Genetics (formerly Invitae), Labcorp); PubMed 7880320 (cited by Labcorp Genetics (formerly Invitae), Labcorp); PubMed 12217331 (cited by Labcorp Genetics (formerly Invitae), Labcorp); PubMed 27980540 (cited by Labcorp Genetics (formerly Invitae), Labcorp).

NM_000061.3(BTK):c.1567-12_1567-9del

Gene: BTK (Bruton tyrosine kinase; minus strand). Cytogenetic location: Xq22.1.
Variant type: Deletion.
Coding change: c.1567-12_1567-9del on transcript NM_000061.3 (MANE Select); 12 bases into the intron before coding-DNA position 1567 through 9 bases into the intron before coding-DNA position 1567, 4 bases deleted (TTTG; older notation c.1567-12_1567-9delTTTG).
Molecular consequence: intron variant.
Genome position (GRCh38, 1-based): chrX:101,354,703-101,354,706, CAAA deleted on the plus strand (TTTG on the coding strand, the reverse complement: BTK is on the minus strand); deleting any 4 consecutive bases within chrX:101,354,703-101,354,708 gives the same sequence; the c. name uses the placement nearest the transcript's 3' end. VCF-style (leftmost placement, unchanged base first): chrX-101354702-GCAAA-G. GRCh37 (hg19) VCF-style: chrX-100609690-GCAAA-G.
Other names: c.1669-12_1669-9del (NM_001287344.2); c.1039-12_1039-9del (NM_001287345.2); c.1567-12_1567-9delTTTG (NM_000061.3, NM_000061.2).
Identifiers: ClinVar variation 566647 (VCV000566647.14), dbSNP rs1569291244, ClinGen allele CA891843703.